The following is an entry in ClinVar:

ClinVar aggregate classification (germline): Uncertain significance. Review status: criteria provided, multiple submitters, no conflicts (2 of 4 stars). 3 submissions from 3 submitters: Uncertain significance (3). Last evaluated 2025-03-25.

Conditions:
5-Oxoprolinase deficiency (OPLAHD). Also called: 5-OXOPROLINURIA DUE TO 5-OXOPROLINASE DEFICIENCY. Identifiers: Orphanet 33572, MedGen C0268525, MONDO:0009825, OMIM 260005, HP:0040142.

Allele frequency attached by ClinVar (database versions not stated): gnomAD 0.00002; gnomAD exomes 0.00003 and 0.00008; TOPMed 0.00003; ExAC 0.00014.
gnomAD v4.1: 52 of 1,596,494 alleles (0.0033%); highest among the groups gnomAD compares: Admixed American, 0.016%; no homozygotes.

Submissions (3):

Ambry Genetics
Classification: Uncertain significance. Last evaluated: 2025-03-25. Review status: criteria provided, single submitter. Criteria: Ambry Variant Classification Scheme 2023. Collection method: clinical testing. Allele origin: germline.

Labcorp Genetics (formerly Invitae), Labcorp
Classification: Uncertain significance for 5-Oxoprolinase deficiency. Last evaluated: 2022-08-31. Review status: criteria provided, single submitter. Criteria: Invitae Variant Classification Sherloc (09022015). Collection method: clinical testing. Allele origin: germline.
Comment: In summary, the available evidence is currently insufficient to determine the role of this variant in disease. Therefore, it has been classified as a Variant of Uncertain Significance. Algorithms developed to predict the effect of missense changes on protein structure and function output the following: SIFT: "Not Available"; PolyPhen-2: "Benign"; Align-GVGD: "Not Available". The leucine amino acid residue is found in multiple mammalian species, which suggests that this missense change does not adversely affect protein function. ClinVar contains an entry for this variant (Variation ID: 643594). This variant has not been reported in the literature in individuals affected with OPLAH-related conditions. This variant is present in population databases (rs782808832, gnomAD 0.03%). This sequence change replaces proline, which is neutral and non-polar, with leucine, which is neutral and non-polar, at codon 447 of the OPLAH protein (p.Pro447Leu).

Fulgent Genetics
Classification: Uncertain significance for 5-Oxoprolinase deficiency. Last evaluated: 2021-07-08. Review status: criteria provided, single submitter. Criteria: ACMG Guidelines, 2015. Collection method: clinical testing. Allele origin: unknown.

NM_017570.5(OPLAH):c.1340C>T (p.Pro447Leu)

Gene: OPLAH (5-oxoprolinase, ATP-hydrolysing; minus strand). Cytogenetic location: 8q24.3.
Variant type: single nucleotide variant.
Coding change: c.1340C>T on transcript NM_017570.5 (MANE Select); coding-DNA position 1340, C replaced by T.
Protein change: p.Pro447Leu; replaces proline 447 with leucine.
Molecular consequence: missense variant.
Genome position (GRCh38, 1-based): chr8:144,057,530, G>A on the plus strand (C>T on the coding strand, the complement: OPLAH is on the minus strand). VCF-style: chr8-144057530-G-A. GRCh37 (hg19) VCF-style: chr8-145112433-G-A.
Other names: c.1340C>T (NM_017570.3); short protein forms P447L.
Identifiers: ClinVar variation 643594 (VCV000643594.9), dbSNP rs782808832, ClinGen allele CA4931909.